The following is an entry in ClinVar:

ClinVar aggregate classification (germline): Pathogenic (1 of 4 stars; one submission).

Conditions:
Glycine encephalopathy. Also called: Non-ketotic hyperglycinemia; Nonketotic hyperglycinemia. Identifiers: Orphanet 407, MedGen C0751748, MONDO:0011612, HP:0008288.

Submission:

Labcorp Genetics (formerly Invitae), Labcorp
Classification: Pathogenic for Glycine encephalopathy. Last evaluated: 2022-05-07. Review status: criteria provided, single submitter. Criteria: Invitae Variant Classification Sherloc (09022015). Collection method: clinical testing. Allele origin: germline.
Comment: This variant is not present in population databases (gnomAD no frequency). This missense change has been observed in individual(s) with glycine encephalopathy (PMID: 26179960). In at least one individual the data is consistent with being in trans (on the opposite chromosome) from a pathogenic variant. Advanced modeling of protein sequence and biophysical properties (such as structural, functional, and spatial information, amino acid conservation, physicochemical variation, residue mobility, and thermodynamic stability) performed at Invitae indicates that this missense variant is expected to disrupt GLDC protein function. For these reasons, this variant has been classified as Pathogenic. This sequence change replaces proline, which is neutral and non-polar, with leucine, which is neutral and non-polar, at codon 907 of the GLDC protein (p.Pro907Leu).

Literature cited by the submitters: PubMed 26179960.

NM_000170.3(GLDC):c.2720C>T (p.Pro907Leu)

Gene: GLDC (glycine decarboxylase; minus strand). Cytogenetic location: 9p24.1.
Variant type: single nucleotide variant.
Coding change: c.2720C>T on transcript NM_000170.3 (MANE Select); coding-DNA position 2720, C replaced by T.
Protein change: p.Pro907Leu; replaces proline 907 with leucine.
Molecular consequence: missense variant.
Genome position (GRCh38, 1-based): chr9:6,536,182, G>A on the plus strand (C>T on the coding strand, the complement: GLDC is on the minus strand). VCF-style: chr9-6536182-G-A. GRCh37 (hg19) VCF-style: chr9-6536182-G-A.
Other names: short protein forms P907L.
Identifiers: ClinVar variation 1457324 (VCV001457324.8), dbSNP rs2129649871, ClinGen allele CA372882818.